The following is an entry in ClinVar:

ClinVar aggregate classification (germline): Benign/Likely benign. Review status: criteria provided, multiple submitters, no conflicts (2 of 4 stars). 3 submissions from 3 submitters: Benign (1); Likely benign (1). 1 of the submissions does not count toward it. Last evaluated 2026-01-26.

Conditions:
IRF7-related disorder. Also called: IRF7-related condition.
Immunodeficiency 39 (IMD39). Identifiers: Orphanet 574918, MedGen C4225358, MONDO:0014597, OMIM 616345.

Allele frequency attached by ClinVar (database versions not stated): gnomAD exomes 0.00017 and 0.00049; ExAC 0.00069; ESP Exome Variant Server 0.00158; gnomAD 0.00200 and 0.00211; TOPMed 0.00233; 1000 Genomes Project 0.00300; 1000 Genomes Project 30x 0.00375.
gnomAD v4.1: 556 of 1,603,658 alleles (0.035%); highest among the groups gnomAD compares: African/African-American, 0.65%; 4 homozygotes.

Submissions (3):

Labcorp Genetics (formerly Invitae), Labcorp
Classification: Benign for Immunodeficiency 39. Last evaluated: 2026-01-26. Review status: criteria provided, single submitter. Criteria: Invitae Variant Classification Sherloc (09022015). Collection method: clinical testing. Allele origin: germline.

Blueprint Genetics
Classification: Likely benign. Last evaluated: 2024-11-13. Review status: criteria provided, single submitter. Criteria: ACMG Guidelines, 2015. Collection method: clinical testing. Allele origin: germline.

PreventionGenetics, part of Exact Sciences
Classification: Likely benign for IRF7-related condition. Last evaluated: 2020-02-07. Review status: no assertion criteria provided. Collection method: clinical testing. Allele origin: germline. Not counted in ClinVar's aggregate classification.
Comment: This variant is classified as likely benign based on ACMG/AMP sequence variant interpretation guidelines (Richards et al. 2015 PMID: 25741868, with internal and published modifications).

NM_001572.5(IRF7):c.110G>A (p.Arg37His)

Gene: IRF7 (interferon regulatory factor 7; minus strand). Cytogenetic location: 11p15.5.
Variant type: single nucleotide variant.
Coding change: c.110G>A on transcript NM_001572.5 (MANE Select); coding-DNA position 110, G replaced by A.
Protein change: p.Arg37His; replaces arginine 37 with histidine.
Molecular consequence: missense variant.
Genome position (GRCh38, 1-based): chr11:615,170, C>T on the plus strand (G>A on the coding strand, the complement: IRF7 is on the minus strand). VCF-style: chr11-615170-C-T. GRCh37 (hg19) VCF-style: chr11-615170-C-T.
Other names: c.110G>A, p.Arg37His (NM_004029.4); c.149G>A, p.Arg50His (NM_004031.4); short protein forms R50H, R37H.
Identifiers: ClinVar variation 788349 (VCV000788349.14), dbSNP rs146681075, ClinGen allele CA5784094.